The following is an entry in ClinVar:

NM_025136.4(OPA3):c.494A>G (p.Asn165Ser)

Genes: OPA3 (outer mitochondrial membrane lipid metabolism regulator OPA3; minus strand), OPA3-RTN2 (OPA3-RTN2 readthrough; minus strand). Cytogenetic location: 19q13.32.
Variant type: single nucleotide variant.
Coding change: c.494A>G on transcript NM_025136.4 (MANE Select); coding-DNA position 494, A replaced by G.
Protein change: p.Asn165Ser; replaces asparagine 165 with serine.
Molecular consequence: missense variant. On other transcripts: intron variant (1).
Genome position (GRCh38, 1-based): chr19:45,553,560, T>C on the plus strand (A>G on the coding strand, the complement: OPA3 is on the minus strand). VCF-style: chr19-45553560-T-C. GRCh37 (hg19) VCF-style: chr19-46056818-T-C.
Other names: c.494A>G (NM_025136.3); c.143-24104A>G (NM_001017989.3); short protein forms N165S.
Identifiers: ClinVar variation 2043517 (VCV002043517.6), dbSNP rs558412882, ClinGen allele CA9517380.

ClinVar aggregate classification (germline): Uncertain significance. Review status: criteria provided, multiple submitters, no conflicts (2 of 4 stars). 3 submissions from 3 submitters: Uncertain significance (3). Last evaluated 2024-11-13.

Conditions:
Inborn genetic diseases. Identifiers: MedGen C0950123, MeSH D030342.
Optic atrophy 3 (OPA3). Also called: OPTIC ATROPHY 3, AUTOSOMAL DOMINANT; Optic atrophy, cataract, and neurologic disorder; Optic atrophy 3 with cataract. Identifiers: Orphanet 67036, MedGen C1833809, MONDO:0008133, OMIM 165300.
3-Methylglutaconic aciduria type 3 (MGCA3). Also called: OPA3, AUTOSOMAL RECESSIVE; OPTIC ATROPHY 3, AUTOSOMAL RECESSIVE; OPA3-Related 3-Methylglutaconic Aciduria; Costeff Syndrome. Identifiers: Orphanet 67047, MedGen C0574084, MONDO:0009787, OMIM 258501.

Allele frequency attached by ClinVar (database versions not stated): ExAC 0.00001; TOPMed 0.00005; gnomAD 0.00006.
gnomAD v4.1: 29 of 1,613,296 alleles (0.0018%); highest among the groups gnomAD compares: African/African-American, 0.016%; no homozygotes.

Submissions (3):

Labcorp Genetics (formerly Invitae), Labcorp
Classification: Uncertain significance for 3-Methylglutaconic aciduria type 3; Optic atrophy 3. Last evaluated: 2024-11-13. Review status: criteria provided, single submitter. Criteria: Invitae Variant Classification Sherloc (09022015). Collection method: clinical testing. Allele origin: germline.
Comment: This sequence change replaces asparagine, which is neutral and polar, with serine, which is neutral and polar, at codon 165 of the OPA3 protein (p.Asn165Ser). This variant is present in population databases (rs558412882, gnomAD 0.02%). This variant has not been reported in the literature in individuals affected with OPA3-related conditions. ClinVar contains an entry for this variant (Variation ID: 2043517). An algorithm developed to predict the effect of missense changes on protein structure and function outputs the following: PolyPhen-2: "Benign". The serine amino acid residue is found in multiple mammalian species, which suggests that this missense change does not adversely affect protein function. In summary, the available evidence is currently insufficient to determine the role of this variant in disease. Therefore, it has been classified as a Variant of Uncertain Significance.

Ambry Genetics
Classification: Uncertain significance for Inborn genetic diseases. Last evaluated: 2024-03-19. Review status: criteria provided, single submitter. Criteria: Ambry Variant Classification Scheme 2023. Collection method: clinical testing. Allele origin: germline.

Department of Pathology and Laboratory Medicine, Sinai Health System
Classification: Uncertain significance for Optic atrophy 3; 3-Methylglutaconic aciduria type 3. Last evaluated: 2022-03-12. Review status: criteria provided, single submitter. Criteria: ACMG Guidelines, 2015. Collection method: research. Allele origin: germline.